The following is an entry in ClinVar:

NM_080425.4(GNAS):c.2069-5336CGA[3]

Gene: GNAS (GNAS complex locus; plus strand). Cytogenetic location: 20q13.32.
Variant type: Microsatellite.
Coding change: c.2069-5336CGA[3] on transcript NM_080425.4 (MANE Plus Clinical); three copies in a row of the 3-base unit CGA starting at c.2069-5336; the reference has four copies in a row; one copy, 3 bases deleted.
Molecular consequence: intron variant.
Genome position (GRCh38, 1-based): chr20:58,890,285-58,890,287, CGA deleted; deleting any 3 consecutive bases within chr20:58,890,276-58,890,287 gives the same sequence; the position shown is the placement nearest the transcript's 3' end. VCF-style (leftmost placement, unchanged base first): chr20-58890275-CCGA-C. GRCh37 (hg19) VCF-style: chr20-57465330-CCGA-C.
Other names: c.*43-5336CGA[3] (NM_016592.5); c.44-5336CGA[3] (NM_001410912.1); c.-38-5336CGA[3] (NM_001309861.2); c.*1-5336CGA[3] (NM_001077490.3); c.2069-5336CGA[3] (NM_001410913.1); c.*159-5336CGA[3] (NM_001309883.1); c.-39+923CGA[3] (NM_001438273.1, NM_001309840.2); c.-39+944CGA[3] (NM_001439291.1, NM_001438274.1).
Identifiers: ClinVar variation 3389348 (VCV003389348.14).
Genomic context (GRCh38, chr20:58,890,275, plus strand): 5'-AGGTGCCAGAAGCCCAGGAGGAGGCCCGATGCCCCGAGGCCGCCGCCGCCGCGGCCGCCG[CCGA>C]CGACGACGAGGGCGCCGAGGAGGGCGCCGTCGGGGGCGCCGAGGAGGGCGCCGCCGCCGG-3'

ClinVar aggregate classification (germline): Likely benign (1 of 4 stars; one submission).

Submission:

CeGaT Center for Human Genetics Tuebingen
Classification: Likely benign. Last evaluated: 2026-04-01. Review status: criteria provided, single submitter. Criteria: CeGaT Center For Human Genetics Tuebingen Variant Classification Criteria Version 2. Collection method: clinical testing. Allele origin: germline. Affected: yes. Observed: 4 variant alleles.
Comment: GNAS: BS1